The following is an entry in ClinVar:

NM_001267550.2(TTN):c.78097_78098del (p.Asn26033fs)

Genes: TTN-AS1 (TTN antisense RNA 1; plus strand), TTN (titin; minus strand). Cytogenetic location: 2q31.2.
Variant type: Deletion.
Coding change: c.78097_78098del on transcript NM_001267550.2 (MANE Select); coding-DNA positions 78097 to 78098, 2 bases deleted (AA; older notation c.78097_78098delAA).
Protein change: p.Asn26033fs; shifts the reading frame from asparagine 26033.
Molecular consequence: frameshift variant.
Genome position (GRCh38, 1-based): chr2:178,568,034-178,568,035, TT deleted on the plus strand (AA on the coding strand, the reverse complement: TTN is on the minus strand); deleting any 2 consecutive bases within chr2:178,568,034-178,568,036 gives the same sequence; the c. name uses the placement nearest the transcript's 3' end. VCF-style (leftmost placement, unchanged base first): chr2-178568033-GTT-G. GRCh37 (hg19) VCF-style: chr2-179432760-GTT-G.
Other names: c.73174_73175del, p.Asn24392fs (NM_001256850.1); c.50902_50903del, p.Asn16968fs (NM_003319.4); c.70393_70394del, p.Asn23465fs (NM_133378.4); c.51277_51278del, p.Asn17093fs (NM_133432.3); c.51478_51479del, p.Asn17160fs (NM_133437.4); short protein forms N23465fs, N16968fs, N26033fs, N24392fs, N17093fs, N17160fs.
Identifiers: ClinVar variation 2948868 (VCV002948868.3), dbSNP rs2468346595, ClinGen allele CA2740096336.

ClinVar aggregate classification (germline): Likely pathogenic (1 of 4 stars; one submission).

Conditions:
Dilated cardiomyopathy 1G (CMD1G). Identifiers: Orphanet 154, MedGen C1858763, MONDO:0011400, OMIM 604145.
Autosomal recessive limb-girdle muscular dystrophy type 2J (LGMDR10). Also called: Limb-girdle muscular dystrophy, type 2J; MUSCULAR DYSTROPHY, LIMB-GIRDLE, AUTOSOMAL RECESSIVE 10. Identifiers: Orphanet 140922, MedGen C1837342, MONDO:0012127, OMIM 608807.

Submission:

Labcorp Genetics (formerly Invitae), Labcorp
Classification: Likely pathogenic for Dilated cardiomyopathy 1G; Autosomal recessive limb-girdle muscular dystrophy type 2J. Last evaluated: 2023-08-16. Review status: criteria provided, single submitter. Criteria: Invitae Variant Classification Sherloc (09022015). Collection method: clinical testing. Allele origin: germline.
Comment: In summary, the currently available evidence indicates that the variant is pathogenic, but additional data are needed to prove that conclusively. Therefore, this variant has been classified as Likely Pathogenic. This sequence change creates a premature translational stop signal (p.Asn26033Glnfs*14) in the TTN gene. While this is not anticipated to result in nonsense mediated decay, it is expected to create a truncated TTN protein. This variant is not present in population databases (gnomAD no frequency). This variant has not been reported in the literature in individuals affected with TTN-related conditions. This variant is located in the A band of TTN (PMID: 25589632). Truncating variants in this region are significantly overrepresented in patients affected with dilated cardiomyopathy (PMID: 25589632). Truncating variants in this region have also been reported in individuals affected with autosomal recessive centronuclear myopathy (PMID: 23975875).

Literature cited by the submitters: PubMed 25589632; PubMed 23975875.